The following is an entry in ClinVar:

NM_006946.4(SPTBN2):c.3516C>T (p.His1172=)

Gene: SPTBN2 (spectrin beta, non-erythrocytic 2; minus strand). Cytogenetic location: 11q13.2.
Variant type: single nucleotide variant.
Coding change: c.3516C>T on transcript NM_006946.4 (MANE Select); coding-DNA position 3516, C replaced by T.
Protein change: p.His1172=; no amino-acid change (histidine 1172 retained).
Molecular consequence: synonymous variant.
Genome position (GRCh38, 1-based): chr11:66,700,583, G>A on the plus strand (C>T on the coding strand, the complement: SPTBN2 is on the minus strand). VCF-style: chr11-66700583-G-A. GRCh37 (hg19) VCF-style: chr11-66468054-G-A.
Identifiers: ClinVar variation 448494 (VCV000448494.11), dbSNP rs149829140, ClinGen allele CA6128851.

ClinVar aggregate classification (germline): Benign. Review status: criteria provided, multiple submitters, no conflicts (2 of 4 stars). 3 submissions from 3 submitters: Benign (2). 1 of the submissions does not count toward it. Last evaluated 2025-11-21.

Conditions:
SPTBN2-related disorder. Also called: SPTBN2-related condition.

Allele frequency attached by ClinVar (database versions not stated): gnomAD exomes 0.00005 and 0.00010; ESP Exome Variant Server 0.00046; ExAC 0.00014; gnomAD 0.00018 and 0.00019; TOPMed 0.00029.

Submissions (3):

Labcorp Genetics (formerly Invitae), Labcorp
Classification: Benign. Last evaluated: 2025-11-21. Review status: criteria provided, single submitter. Criteria: Invitae Variant Classification Sherloc (09022015). Collection method: clinical testing. Allele origin: germline.

Athena Diagnostics
Classification: Benign. Last evaluated: 2017-04-21. Review status: criteria provided, single submitter. Criteria: Athena Diagnostics Criteria. Collection method: clinical testing. Allele origin: germline.

PreventionGenetics, part of Exact Sciences
Classification: Likely benign for SPTBN2-related condition. Last evaluated: 2019-08-15. Review status: no assertion criteria provided. Collection method: clinical testing. Allele origin: germline. Not counted in ClinVar's aggregate classification.
Comment: This variant is classified as likely benign based on ACMG/AMP sequence variant interpretation guidelines (Richards et al. 2015 PMID: 25741868, with internal and published modifications).